The following is an entry in ClinVar:

NM_000443.4(ABCB4):c.809G>A (p.Gly270Glu)

Gene: ABCB4 (ATP binding cassette subfamily B member 4; minus strand). Cytogenetic location: 7q21.12.
Variant type: single nucleotide variant.
Coding change: c.809G>A on transcript NM_000443.4 (MANE Select); coding-DNA position 809, G replaced by A.
Protein change: p.Gly270Glu; replaces glycine 270 with glutamic acid.
Molecular consequence: missense variant.
Genome position (GRCh38, 1-based): chr7:87,449,992, C>T on the plus strand (G>A on the coding strand, the complement: ABCB4 is on the minus strand). VCF-style: chr7-87449992-C-T. GRCh37 (hg19) VCF-style: chr7-87079308-C-T.
Other names: c.809G>A (NM_000443.3); c.809G>A, p.Gly270Glu (NM_018849.3, NM_018850.3); short protein forms G270E.
Identifiers: ClinVar variation 3012841 (VCV003012841.4), dbSNP rs1229559758, ClinGen allele CA368050417.

ClinVar aggregate classification (germline): Uncertain significance. Review status: criteria provided, multiple submitters, no conflicts (2 of 4 stars). 2 submissions from 2 submitters: Uncertain significance (2). Last evaluated 2025-10-22.

Conditions:
ABCB4-related disorder. Also called: ABCB4-related disorders; ABCB4-related condition.

Allele frequency attached by ClinVar (database versions not stated): gnomAD exomes below 0.00001; gnomAD 0.00001.
gnomAD v4.1: 9 of 1,614,060 alleles (0.00056%); highest among the groups gnomAD compares: African/African-American, 0.0013%; no homozygotes.

Submissions (2):

PreventionGenetics, part of Exact Sciences
Classification: Uncertain significance for ABCB4-related condition. Last evaluated: 2025-10-22. Review status: criteria provided, single submitter. Criteria: ACMG Guidelines, 2015. Collection method: clinical testing. Allele origin: germline.
Comment: The ABCB4 c.809G>A variant is predicted to result in the amino acid substitution p.Gly270Glu. To our knowledge, this variant has not been reported in the literature or in a large population database (gnomAD), indicating this variant is rare. At this time, the clinical significance of this variant is uncertain due to the absence of conclusive functional and genetic evidence.

Labcorp Genetics (formerly Invitae), Labcorp
Classification: Uncertain significance. Last evaluated: 2024-01-19. Review status: criteria provided, single submitter. Criteria: Invitae Variant Classification Sherloc (09022015). Collection method: clinical testing. Allele origin: germline.
Comment: This sequence change replaces glycine, which is neutral and non-polar, with glutamic acid, which is acidic and polar, at codon 270 of the ABCB4 protein (p.Gly270Glu). This variant is not present in population databases (gnomAD no frequency). This variant has not been reported in the literature in individuals affected with ABCB4-related conditions. Advanced modeling of protein sequence and biophysical properties (such as structural, functional, and spatial information, amino acid conservation, physicochemical variation, residue mobility, and thermodynamic stability) has been performed at Invitae for this missense variant, however the output from this modeling did not meet the statistical confidence thresholds required to predict the impact of this variant on ABCB4 protein function. In summary, the available evidence is currently insufficient to determine the role of this variant in disease. Therefore, it has been classified as a Variant of Uncertain Significance.